The following is an entry in ClinVar:

NM_002241.5(KCNJ10):c.25T>C (p.Tyr9His)

Gene: KCNJ10 (potassium inwardly rectifying channel subfamily J member 10; minus strand). Cytogenetic location: 1q23.2.
Variant type: single nucleotide variant.
Coding change: c.25T>C on transcript NM_002241.5 (MANE Select); coding-DNA position 25, T replaced by C.
Protein change: p.Tyr9His; replaces tyrosine 9 with histidine.
Molecular consequence: missense variant.
Genome position (GRCh38, 1-based): chr1:160,042,508, A>G on the plus strand (T>C on the coding strand, the complement: KCNJ10 is on the minus strand). VCF-style: chr1-160042508-A-G. GRCh37 (hg19) VCF-style: chr1-160012298-A-G.
Other names: short protein forms Y9H.
Identifiers: ClinVar variation 1899604 (VCV001899604.5), dbSNP rs2525431806, ClinGen allele CA343231187.

ClinVar aggregate classification (germline): Uncertain significance (1 of 4 stars; one submission).

Conditions:
EAST syndrome (SESAMES). Also called: SEIZURES, SENSORINEURAL DEAFNESS, ATAXIA, IMPAIRED INTELLECTUAL DEVELOPMENT, AND ELECTROLYTE IMBALANCE. Identifiers: Orphanet 199343, MedGen C2748572, MONDO:0013005, OMIM 612780.

Allele frequency attached by ClinVar (database versions not stated): gnomAD exomes below 0.00001.
gnomAD v4.1: 1 of 1,614,126 alleles (0.000062%); highest among the groups gnomAD compares: Non-Finnish European, 0.000085%; no homozygotes.

Submission:

Labcorp Genetics (formerly Invitae), Labcorp
Classification: Uncertain significance for EAST syndrome. Last evaluated: 2024-11-18. Review status: criteria provided, single submitter. Criteria: Invitae Variant Classification Sherloc (09022015). Collection method: clinical testing. Allele origin: germline.
Comment: This sequence change replaces tyrosine, which is neutral and polar, with histidine, which is basic and polar, at codon 9 of the KCNJ10 protein (p.Tyr9His). This variant is not present in population databases (gnomAD no frequency). This variant has not been reported in the literature in individuals affected with KCNJ10-related conditions. ClinVar contains an entry for this variant (Variation ID: 1899604). Invitae Evidence Modeling of protein sequence and biophysical properties (such as structural, functional, and spatial information, amino acid conservation, physicochemical variation, residue mobility, and thermodynamic stability) indicates that this missense variant is not expected to disrupt KCNJ10 protein function with a negative predictive value of 95%. In summary, the available evidence is currently insufficient to determine the role of this variant in disease. Therefore, it has been classified as a Variant of Uncertain Significance.